The following is an entry in ClinVar:

ClinVar aggregate classification (germline): Conflicting classifications of pathogenicity. Review status: criteria provided, conflicting classifications (1 of 4 stars). 3 submissions from 3 submitters: Uncertain significance (1); Likely benign (1). 1 of the submissions does not count toward it. Last evaluated 2025-10-09.

Conditions:
DHX37-related disorder. Also called: DHX37-Related Disorders; DHX37-related condition.

Allele frequency attached by ClinVar (database versions not stated): ESP Exome Variant Server 0.00039; 1000 Genomes Project 30x 0.00062; 1000 Genomes Project 0.00080; TOPMed 0.00084.
gnomAD v4.1: 360 of 1,553,700 alleles (0.023%); highest among the groups gnomAD compares: African/African-American, 0.27%; no homozygotes.

Submissions (3):

Labcorp Genetics (formerly Invitae), Labcorp
Classification: Likely benign. Last evaluated: 2025-10-09. Review status: criteria provided, single submitter. Criteria: Invitae Variant Classification Sherloc (09022015). Collection method: clinical testing. Allele origin: germline.

GeneDx
Classification: Uncertain significance. Last evaluated: 2024-06-23. Review status: criteria provided, single submitter. Criteria: GeneDx Variant Classification Process June 2021. Collection method: clinical testing. Allele origin: germline. Affected: yes.
Comment: Identified in a patient with 46,XY partial gonadal dysgenesis who also had another variant in a different gene related to the phenotype (PMID: 37240737); In silico analysis indicates that this missense variant does not alter protein structure/function; This variant is associated with the following publications: (PMID: 38769888, 38142677, 37240737)

PreventionGenetics, part of Exact Sciences
Classification: Likely benign for DHX37-related condition. Last evaluated: 2023-04-25. Review status: no assertion criteria provided. Collection method: clinical testing. Allele origin: germline. Not counted in ClinVar's aggregate classification.
Comment: This variant is classified as likely benign based on ACMG/AMP sequence variant interpretation guidelines (Richards et al. 2015 PMID: 25741868, with internal and published modifications).

NM_032656.4(DHX37):c.2995G>A (p.Val999Met)

Gene: DHX37 (DEAH-box helicase 37; minus strand). Cytogenetic location: 12q24.31.
Variant type: single nucleotide variant.
Coding change: c.2995G>A on transcript NM_032656.4 (MANE Select); coding-DNA position 2995, G replaced by A.
Protein change: p.Val999Met; replaces valine 999 with methionine.
Molecular consequence: missense variant.
Genome position (GRCh38, 1-based): chr12:124,950,539, C>T on the plus strand (G>A on the coding strand, the complement: DHX37 is on the minus strand). VCF-style: chr12-124950539-C-T. GRCh37 (hg19) VCF-style: chr12-125435085-C-T.
Other names: c.2995G>A (NM_032656.3); short protein forms V999M.
Identifiers: ClinVar variation 2049434 (VCV002049434.7), dbSNP rs148710712, ClinGen allele CA6871390.